The following is an entry in ClinVar:

ClinVar aggregate classification (germline): Uncertain significance (1 of 4 stars; one submission).

Conditions:
Inborn genetic diseases. Identifiers: MedGen C0950123, MeSH D030342.

Allele frequency attached by ClinVar (database versions not stated): ExAC 0.00001.
gnomAD v4.1: 1 of 1,611,524 alleles (0.000062%); highest among the groups gnomAD compares: Non-Finnish European, 0.000085%; no homozygotes.

Submission:

Ambry Genetics
Classification: Uncertain significance for Inborn genetic diseases. Last evaluated: 2021-08-05. Review status: criteria provided, single submitter. Criteria: Ambry Variant Classification Scheme 2023. Collection method: clinical testing. Allele origin: germline.
Comment: The p.F679L variant (also known as c.2037C>G), located in coding exon 12 of the EPAS1 gene, results from a C to G substitution at nucleotide position 2037. The phenylalanine at codon 679 is replaced by leucine, an amino acid with highly similar properties. This amino acid position is conserved. In addition, this alteration is predicted to be tolerated by in silico analysis. Since supporting evidence is limited at this time, the clinical significance of this alteration remains unclear.

NM_001430.5(EPAS1):c.2037C>G (p.Phe679Leu)

Gene: EPAS1 (endothelial PAS domain protein 1; plus strand). Cytogenetic location: 2p21.
Variant type: single nucleotide variant.
Coding change: c.2037C>G on transcript NM_001430.5 (MANE Select); coding-DNA position 2037, C replaced by G.
Protein change: p.Phe679Leu; replaces phenylalanine 679 with leucine.
Molecular consequence: missense variant.
Genome position (GRCh38, 1-based): chr2:46,380,709, C>G. VCF-style: chr2-46380709-C-G. GRCh37 (hg19) VCF-style: chr2-46607848-C-G.
Other names: short protein forms F679L.
Identifiers: ClinVar variation 1784829 (VCV001784829.2), dbSNP rs759783388, ClinGen allele CA1645177.